The following is an entry in ClinVar:

ClinVar aggregate classification (germline): Uncertain significance (1 of 4 stars; one submission).

Conditions:
Spastic paraplegia. Identifiers: MedGen C0037772, HP:0001258.

gnomAD v4.1: 1 of 1,163,068 alleles (0.000086%); highest among the groups gnomAD compares: East Asian, 0.0031%; no homozygotes.

Submission:

Labcorp Genetics (formerly Invitae), Labcorp
Classification: Uncertain significance for Spastic paraplegia. Last evaluated: 2024-04-17. Review status: criteria provided, single submitter. Criteria: Invitae Variant Classification Sherloc (09022015). Collection method: clinical testing. Allele origin: germline.
Comment: This sequence change replaces proline, which is neutral and non-polar, with leucine, which is neutral and non-polar, at codon 57 of the SLC16A2 protein (p.Pro57Leu). This variant is not present in population databases (gnomAD no frequency). This variant has not been reported in the literature in individuals affected with SLC16A2-related conditions. Advanced modeling of protein sequence and biophysical properties (such as structural, functional, and spatial information, amino acid conservation, physicochemical variation, residue mobility, and thermodynamic stability) performed at Invitae indicates that this missense variant is not expected to disrupt SLC16A2 protein function with a negative predictive value of 80%. In summary, the available evidence is currently insufficient to determine the role of this variant in disease. Therefore, it has been classified as a Variant of Uncertain Significance.

NM_006517.5(SLC16A2):c.170C>T (p.Pro57Leu)

Gene: SLC16A2 (solute carrier family 16 member 2; plus strand). Cytogenetic location: Xq13.2.
Variant type: single nucleotide variant.
Coding change: c.170C>T on transcript NM_006517.5 (MANE Select); coding-DNA position 170, C replaced by T.
Protein change: p.Pro57Leu; replaces proline 57 with leucine.
Molecular consequence: missense variant.
Genome position (GRCh38, 1-based): chrX:74,421,807, C>T. VCF-style: chrX-74421807-C-T. GRCh37 (hg19) VCF-style: chrX-73641642-C-T.
Other names: short protein forms P57L.
Identifiers: ClinVar variation 3622032 (VCV003622032.2).